The following is an entry in ClinVar:

NM_001849.4(COL6A2):c.1458+3C>A

Gene: COL6A2 (collagen type VI alpha 2 chain; plus strand). Cytogenetic location: 21q22.3.
Variant type: single nucleotide variant.
Coding change: c.1458+3C>A on transcript NM_001849.4 (MANE Select); 3 bases into the intron after coding-DNA position 1458, C replaced by A.
Molecular consequence: intron variant.
Genome position (GRCh38, 1-based): chr21:46,121,126, C>A. VCF-style: chr21-46121126-C-A. GRCh37 (hg19) VCF-style: chr21-47541040-C-A.
Other names: c.1458+3C>A (NM_058175.3, NM_058174.3).
Identifiers: ClinVar variation 3768712 (VCV003768712.1).
Genomic context (GRCh38, chr21:46,121,126, plus strand): 5'-CCGAGGCTTGCCTGGACCCAGAGGCCCCCAGGGAGCTCTTGGGGAGCCCGGAAAGCAGGT[C>A]AGTGTCAGTGCAGGAGGCCGGTGCCCTCTGACCCCACGGGTGGGTCTCCCCTATCCATGT-3'

ClinVar aggregate classification (germline): Uncertain significance (1 of 4 stars; one submission).

Submission:

Women's Health and Genetics/Laboratory Corporation of America, LabCorp
Classification: Uncertain significance. Last evaluated: 2025-02-06. Review status: criteria provided, single submitter. Criteria: LabCorp Variant Classification Summary - May 2015. Collection method: clinical testing. Allele origin: germline.
Comment: Variant summary: COL6A2 c.1458+3C>A alters a non-conserved nucleotide located close to a canonical splice site and therefore could affect mRNA splicing, leading to a significantly altered protein sequence. Consensus agreement among computation tools predict no significant impact on normal splicing. However, these predictions have yet to be confirmed by functional studies. The variant was absent in 247412 control chromosomes. The available data on variant occurrences in the general population are insufficient to allow any conclusion about variant significance. To our knowledge, no occurrence of c.1458+3C>A in individuals affected with COL6A2-related disorders and no experimental evidence demonstrating its impact on protein function have been reported. No submitters have cited clinical-significance assessments for this variant to ClinVar. Based on the evidence outlined above, the variant was classified as uncertain significance.